The following is an entry in ClinVar:

NM_000098.3(CPT2):c.1895A>G (p.Asn632Ser)

Gene: CPT2 (carnitine palmitoyltransferase 2; plus strand). Cytogenetic location: 1p32.3.
Variant type: single nucleotide variant.
Coding change: c.1895A>G on transcript NM_000098.3 (MANE Select); coding-DNA position 1895, A replaced by G.
Protein change: p.Asn632Ser; replaces asparagine 632 with serine.
Molecular consequence: missense variant.
Genome position (GRCh38, 1-based): chr1:53,213,513, A>G. VCF-style: chr1-53213513-A-G. GRCh37 (hg19) VCF-style: chr1-53679185-A-G.
Other names: c.1895A>G (NM_000098.2); c.1826A>G, p.Asn609Ser (NM_001330589.2); short protein forms N632S, N609S.
Identifiers: ClinVar variation 2173834 (VCV002173834.2), dbSNP rs2525596901, ClinGen allele CA340397874.

ClinVar aggregate classification (germline): Uncertain significance. Review status: criteria provided, multiple submitters, no conflicts (2 of 4 stars). 2 submissions from 2 submitters: Uncertain significance (2). Last evaluated 2025-08-11.

Conditions:
Carnitine palmitoyltransferase II deficiency. Also called: Carnitine Palmitoyltransferase 2 Deficiency. Identifiers: Orphanet 157, MedGen C0342790, MONDO:0015515.
Inborn genetic diseases. Identifiers: MedGen C0950123, MeSH D030342.

Allele frequency attached by ClinVar (database versions not stated): gnomAD exomes below 0.00001.

Submissions (2):

Ambry Genetics
Classification: Uncertain significance for Inborn genetic diseases. Last evaluated: 2025-08-11. Review status: criteria provided, single submitter. Criteria: Ambry Variant Classification Scheme 2023. Collection method: clinical testing. Allele origin: germline.

Labcorp Genetics (formerly Invitae), Labcorp
Classification: Uncertain significance for Carnitine palmitoyltransferase II deficiency. Last evaluated: 2022-03-20. Review status: criteria provided, single submitter. Criteria: Invitae Variant Classification Sherloc (09022015). Collection method: clinical testing. Allele origin: germline.
Comment: This sequence change replaces asparagine, which is neutral and polar, with serine, which is neutral and polar, at codon 632 of the CPT2 protein (p.Asn632Ser). This variant is not present in population databases (gnomAD no frequency). This variant has not been reported in the literature in individuals affected with CPT2-related conditions. Advanced modeling of protein sequence and biophysical properties (such as structural, functional, and spatial information, amino acid conservation, physicochemical variation, residue mobility, and thermodynamic stability) performed at Invitae indicates that this missense variant is not expected to disrupt CPT2 protein function. In summary, the available evidence is currently insufficient to determine the role of this variant in disease. Therefore, it has been classified as a Variant of Uncertain Significance.